The following is an entry in ClinVar:

ClinVar aggregate classification (germline): Likely pathogenic (1 of 4 stars; one submission).

Conditions:
Charlevoix-Saguenay spastic ataxia (SACS). Also called: AUTOSOMAL RECESSIVE SPASTIC ATAXIA OF CHARLEVOIX-SAGUENAY; Spastic ataxia of Charlevoix-Saguenay; SPASTIC ATAXIA 6, AUTOSOMAL RECESSIVE. Identifiers: Orphanet 98, MedGen C1849140, MONDO:0010041, OMIM 270550.

Submission:

Natera, Inc.
Classification: Likely pathogenic for Charlevoix-Saguenay type spastic ataxia. Last evaluated: 2025-10-06. Review status: criteria provided, single submitter. Criteria: Natera Variant Classification Schema (03/2026). Collection method: clinical testing. Allele origin: germline.
Comment: The c.6510del variant in SACS is a frameshift variant predicted to shift the reading frame beginning at codon 2171 and leads to a stop codon 13 codons downstream. This variant is expected to result in nonsense mediated decay, truncation, or a dysfunctional protein product. This variant is rare in the general population with a frequency below the threshold expected for the associated phenotype(s). Given the available evidence, this variant is classified as Likely Pathogenic.

NM_014363.6(SACS):c.6510del (p.Ala2171fs)

Gene: SACS (sacsin molecular chaperone; minus strand). Cytogenetic location: 13q12.12.
Variant type: Deletion.
Coding change: c.6510del on transcript NM_014363.6 (MANE Select); coding-DNA position 6510, one base deleted (A; older notation c.6510delA).
Protein change: p.Ala2171fs; shifts the reading frame from alanine 2171.
Molecular consequence: frameshift variant.
Genome position (GRCh38, 1-based): chr13:23,337,366, T deleted on the plus strand (A on the coding strand, the reverse complement: SACS is on the minus strand). VCF-style (leftmost placement, unchanged base first): chr13-23337365-CT-C. GRCh37 (hg19) VCF-style: chr13-23911504-CT-C.
Other names: c.6069del, p.Ala2024fs (NM_001278055.2); c.6537del, p.Ala2180fs (NM_001437336.1); short protein forms A2024fs, A2171fs, A2180fs.
Identifiers: ClinVar variation 4815711 (VCV004815711.1).